The following is an entry in ClinVar:

ClinVar aggregate classification (germline): Uncertain significance. Review status: criteria provided, multiple submitters, no conflicts (2 of 4 stars). 8 submissions from 8 submitters: Uncertain significance (6). 2 of the submissions do not count toward it. Last evaluated 2026-07-01.

Conditions:
Glycogen storage disease, type II (IOPD). Also called: GLYCOGENOSIS, GENERALIZED, CARDIAC FORM; GSD II; POMPE DISEASE, INFANTILE-ONSET; GLYCOGEN STORAGE DISEASE II, INFANTILE-ONSET; ACID ALPHA-GLUCOSIDASE DEFICIENCY, INFANTILE-ONSET; GAA DEFICIENCY, INFANTILE-ONSET. Identifiers: Orphanet 365, MedGen C0017921, MONDO:0009290, OMIM 232300.

Allele frequency attached by ClinVar (database versions not stated): gnomAD 0.00001; ExAC 0.00002; gnomAD exomes 0.00002; TOPMed 0.00002.

Submissions (8):

Genomenon, Inc
Classification: Uncertain significance for Glycogen storage disease, type II. Last evaluated: 2026-07-01. Review status: criteria provided, single submitter. Criteria: Genomenon Sequence Variant Interpretation Standards - Updated. Collection method: curation. Allele origin: germline. Affected: yes.
Comment: GAA p.Glu762Lys (c.2284G>A) is a missense variant that changes the amino acid at codon 762 from Glutamic acid to Lysine. This variant has been observed in at least one proband with a GAA-related disorder (PMID:36833288). It is absent or not present at a significant frequency in gnomAD. In conclusion, we classify GAA p.Glu762Lys (c.2284G>A) as a variant of uncertain significance.

Labcorp Genetics (formerly Invitae), Labcorp
Classification: Uncertain significance for Glycogen storage disease, type II. Last evaluated: 2022-09-06. Review status: criteria provided, single submitter. Criteria: Invitae Variant Classification Sherloc (09022015). Collection method: clinical testing. Allele origin: germline.
Comment: This sequence change replaces glutamic acid, which is acidic and polar, with lysine, which is basic and polar, at codon 762 of the GAA protein (p.Glu762Lys). This variant is present in population databases (rs760063214, gnomAD 0.003%). This missense change has been observed in individual(s) with unspecified clinical presentation who showed low levels of acid alpha-glucosidase activity (PMID: 21488291). ClinVar contains an entry for this variant (Variation ID: 456399). Advanced modeling of protein sequence and biophysical properties (such as structural, functional, and spatial information, amino acid conservation, physicochemical variation, residue mobility, and thermodynamic stability) performed at Invitae indicates that this missense variant is not expected to disrupt GAA protein function. In summary, the available evidence is currently insufficient to determine the role of this variant in disease. Therefore, it has been classified as a Variant of Uncertain Significance.

MGZ Medical Genetics Center
Classification: Uncertain significance for Glycogen storage disease, type II. Last evaluated: 2021-11-17. Review status: criteria provided, single submitter. Criteria: ACMG Guidelines, 2015. Collection method: clinical testing. Allele origin: germline. Affected: yes. Observed: 1 variant allele.
Comment: ACMG criteria applied: PM2_SUP, BP4

Genome-Nilou Lab
Classification: Uncertain significance for Glycogen storage disease, type II. Last evaluated: 2021-09-05. Review status: criteria provided, single submitter. Criteria: ACMG Guidelines, 2015. Collection method: clinical testing. Allele origin: germline. Affected: no.

Broad Center for Mendelian Genomics, Broad Institute of MIT and Harvard
Classification: Uncertain significance for Glycogen storage disease, type II. Last evaluated: 2020-01-22. Review status: criteria provided, single submitter. Criteria: ACMG Guidelines, 2015. Collection method: curation. Allele origin: germline. Inheritance: Autosomal recessive inheritance.
Comment: The p.Glu762Lys variant in GAA has been reported in one individual with Glycogen Storage Disease II (PMID: 21488291). This variant has also been reported as a VUS by Invitae and Counsyl in ClinVar (Variation ID: 456399). This variant has been identified in 0.003% (1/30780) of South Asian chromosomes and 0.003% (3/111366) of European (non-Finnish) chromosomes by the Genome Aggregation Database (gnomAD; dbSNP rs760063214). Although this variant has been seen in the general population, its frequency is low enough to be consistent with a recessive carrier frequency. Computational prediction tools and conservation analyses do not provide strong support for or against an impact to the protein. However, the Glutamate (Glu) at position 762 is not highly conserved in mammals and evolutionary distant species, and 15 species (elephant, saker falcon, peregrine falcon, collared flycatcher, white-throated sparrow, medium ground finch, zebra finch, Tibetan ground jay, budgerigar, scarlet macaw, mallard duck, chicken, turkey, American alligator, and green sea turtle) carry a Lysine (Lys), raising the possibility that this change at this position may be tolerated. In summary, the clinical significance of the p.Glu762Lys variant is uncertain. ACMG/AMP Criteria applied: PM2 (Richards 2015).

Illumina Laboratory Services, Illumina
Classification: Uncertain significance for Glycogen storage disease, type II. Last evaluated: 2017-05-01. Review status: criteria provided, single submitter. Criteria: ICSL Variant Classification Criteria 13 December 2019. Collection method: clinical testing. Allele origin: germline.
Comment: This variant was observed as part of a predisposition screen in an ostensibly healthy population. A literature search was performed for the gene, cDNA change, and amino acid change (where applicable). Publications were found based on this search. However, the evidence from the literature, in combination with allele frequency data from public databases where available, was not sufficient to rule this variant in or out of causing disease. Therefore, this variant is classified as a variant of unknown significance.

Natera, Inc.
Classification: Uncertain significance for Glycogen storage disease type II. Last evaluated: 2020-02-09. Review status: no assertion criteria provided. Collection method: clinical testing. Allele origin: germline. Not counted in ClinVar's aggregate classification.

Counsyl
Classification: Uncertain significance for Glycogen storage disease, type II. Last evaluated: 2017-02-15. Review status: no assertion criteria provided. Collection method: clinical testing. Allele origin: unknown. Not counted in ClinVar's aggregate classification.

Literature cited by the submitters: PubMed 36833288 (cited by Genomenon, Inc); PubMed 21488291 (cited by 3 submitters).

NM_000152.5(GAA):c.2284G>A (p.Glu762Lys)

Gene: GAA (alpha glucosidase; plus strand). Cytogenetic location: 17q25.3.
Variant type: single nucleotide variant.
Coding change: c.2284G>A on transcript NM_000152.5 (MANE Select); coding-DNA position 2284, G replaced by A.
Protein change: p.Glu762Lys; replaces glutamic acid 762 with lysine.
Molecular consequence: missense variant.
Genome position (GRCh38, 1-based): chr17:80,117,062, G>A. VCF-style: chr17-80117062-G-A. GRCh37 (hg19) VCF-style: chr17-78090861-G-A.
Other names: c.2284G>A, p.Glu762Lys (NM_001079803.3, NM_001079804.3); c.2284G>A (LRG_673t1); short protein forms E762K.
Identifiers: ClinVar variation 456399 (VCV000456399.19), dbSNP rs760063214, ClinGen allele CA8815677.